The following is an entry in ClinVar:

ClinVar aggregate classification (germline): Benign/Likely benign. Review status: criteria provided, multiple submitters, no conflicts (2 of 4 stars). 2 submissions from 2 submitters: Benign (1); Likely benign (1). Last evaluated 2025-10-01.

Allele frequency attached by ClinVar (database versions not stated): gnomAD exomes 0.00001; TOPMed 0.00001; gnomAD 0.00004.
gnomAD v4.1: 29 of 1,550,672 alleles (0.0019%); highest among the groups gnomAD compares: African/African-American, 0.018%; no homozygotes.

Submissions (2):

CeGaT Center for Human Genetics Tuebingen
Classification: Likely benign. Last evaluated: 2025-10-01. Review status: criteria provided, single submitter. Criteria: CeGaT Center For Human Genetics Tuebingen Variant Classification Criteria Version 2. Collection method: clinical testing. Allele origin: germline. Affected: yes. Observed: 1 variant allele.
Comment: KMT2B: BP4, BP7

Labcorp Genetics (formerly Invitae), Labcorp
Classification: Benign. Last evaluated: 2024-10-07. Review status: criteria provided, single submitter. Criteria: Invitae Variant Classification Sherloc (09022015). Collection method: clinical testing. Allele origin: germline.

NM_014727.3(KMT2B):c.1965C>T (p.Ser655=)

Gene: KMT2B (lysine methyltransferase 2B; plus strand). Cytogenetic location: 19q13.12.
Variant type: single nucleotide variant.
Coding change: c.1965C>T on transcript NM_014727.3 (MANE Select); coding-DNA position 1965, C replaced by T.
Protein change: p.Ser655=; no amino-acid change (serine 655 retained).
Molecular consequence: synonymous variant.
Genome position (GRCh38, 1-based): chr19:35,721,312, C>T. VCF-style: chr19-35721312-C-T. GRCh37 (hg19) VCF-style: chr19-36212214-C-T.
Identifiers: ClinVar variation 1912425 (VCV001912425.11), dbSNP rs367749631, ClinGen allele CA307783360.
Genomic context (GRCh38, chr19:35,721,312, plus strand): 5'-TGCTCCTGCCACCTCCTCCCGGAGGCCCCTACTCCTTCGGGCCCCTCAGTTTACCCCAAG[C>T]GAAGCCCACCTGAAGATCTACGAATCGGTGCTTACTCCTCCTCCTCTTGGGGCTCCTGAA-3'
Protein context (NP_055542.1, residues 645-665): LLLRAPQFTP[Ser655=]EAHLKIYESV